The following is an entry in ClinVar:

NM_153252.5(BRWD3):c.957C>A (p.Val319=)

Gene: BRWD3 (bromodomain and WD repeat domain containing 3; minus strand). Cytogenetic location: Xq21.1.
Variant type: single nucleotide variant.
Coding change: c.957C>A on transcript NM_153252.5 (MANE Select); coding-DNA position 957, C replaced by A.
Protein change: p.Val319=; no amino-acid change (valine 319 retained).
Molecular consequence: synonymous variant.
Genome position (GRCh38, 1-based): chrX:80,735,155, G>T on the plus strand (C>A on the coding strand, the complement: BRWD3 is on the minus strand). VCF-style: chrX-80735155-G-T. GRCh37 (hg19) VCF-style: chrX-79990654-G-T.
Identifiers: ClinVar variation 912798 (VCV000912798.6), dbSNP rs746783547, ClinGen allele CA10462271.

ClinVar aggregate classification (germline): Benign. Review status: criteria provided, multiple submitters, no conflicts (2 of 4 stars). 2 submissions from 2 submitters: Benign (2). Last evaluated 2024-10-17.

Conditions:
Intellectual developmental disorder, X-linked 93. Also called: Intellectual disability, X-linked 93; MENTAL RETARDATION, X-LINKED, WITH MACROCEPHALY. Identifiers: MedGen C1970841, MONDO:0010393, OMIM 300659.

Allele frequency attached by ClinVar (database versions not stated): gnomAD exomes 0.00005 and 0.00003; gnomAD 0.00002; TOPMed 0.00002; ExAC 0.00003.
gnomAD v4.1: 56 of 1,205,343 alleles (0.0046%); highest among the groups gnomAD compares: Middle Eastern, 0.023%; no homozygotes.

Submissions (2):

Labcorp Genetics (formerly Invitae), Labcorp
Classification: Benign. Last evaluated: 2024-10-17. Review status: criteria provided, single submitter. Criteria: Invitae Variant Classification Sherloc (09022015). Collection method: clinical testing. Allele origin: germline.

Illumina Laboratory Services, Illumina
Classification: Benign for Intellectual developmental disorder, X-linked 93. Last evaluated: 2018-01-12. Review status: criteria provided, single submitter. Criteria: ICSL Variant Classification Criteria 13 December 2019. Collection method: clinical testing. Allele origin: germline.
Comment: This variant was observed in the ICSL laboratory as part of a predisposition screen in an ostensibly healthy population. It had not been previously curated by ICSL or reported in the Human Gene Mutation Database (HGMD: prior to June 1st, 2018), and was therefore a candidate for classification through an automated scoring system. Utilizing variant allele frequency, disease prevalence and penetrance estimates, and inheritance mode, an automated score was calculated to assess if this variant is too frequent to cause the disease. Based on the score and internal cut-off values, a variant classified as benign is not then subjected to further curation. The score for this variant resulted in a classification of benign for this disease.